The following is an entry in ClinVar:

NM_001258392.3(CLPB):c.1785+5G>A

Gene: CLPB (ClpB family mitochondrial disaggregase; minus strand). Cytogenetic location: 11q13.4.
Variant type: single nucleotide variant.
Coding change: c.1785+5G>A on transcript NM_001258392.3 (MANE Select); 5 bases into the intron after coding-DNA position 1785, G replaced by A.
Molecular consequence: intron variant.
Genome position (GRCh38, 1-based): chr11:72,294,017, C>T on the plus strand (G>A on the coding strand, the complement: CLPB is on the minus strand). VCF-style: chr11-72294017-C-T. GRCh37 (hg19) VCF-style: chr11-72005061-C-T.
Other names: c.1698+5G>A (NM_001258393.3); c.1875+5G>A (NM_030813.6); c.1740+5G>A (NM_001258394.3).
Identifiers: ClinVar variation 3348582 (VCV003348582.1).

ClinVar aggregate classification (germline): Likely benign (0 of 4 stars; one submission).

Conditions:
CLPB-related disorder. Also called: CLPB-related condition.

gnomAD v4.1: 4 of 1,612,860 alleles (0.00025%); highest among the groups gnomAD compares: South Asian, 0.0033%; no homozygotes.

Submission:

PreventionGenetics, part of Exact Sciences
Classification: Likely benign for CLPB-related condition. Last evaluated: 2024-07-30. Review status: no assertion criteria provided. Collection method: clinical testing. Allele origin: germline.
Comment: This variant is classified as likely benign based on ACMG/AMP sequence variant interpretation guidelines (Richards et al. 2015 PMID: 25741868, with internal and published modifications).